The following is an entry in ClinVar:

NM_022095.4(ZNF335):c.2099G>A (p.Arg700Gln)

Gene: ZNF335 (zinc finger protein 335; minus strand). Cytogenetic location: 20q13.12.
Variant type: single nucleotide variant.
Coding change: c.2099G>A on transcript NM_022095.4 (MANE Select); coding-DNA position 2099, G replaced by A.
Protein change: p.Arg700Gln; replaces arginine 700 with glutamine.
Molecular consequence: missense variant.
Genome position (GRCh38, 1-based): chr20:45,959,355, C>T on the plus strand (G>A on the coding strand, the complement: ZNF335 is on the minus strand). VCF-style: chr20-45959355-C-T. GRCh37 (hg19) VCF-style: chr20-44587994-C-T.
Other names: short protein forms R700Q.
Identifiers: ClinVar variation 1937011 (VCV001937011.3), dbSNP rs375153102, ClinGen allele CA9885486.
Genomic context (GRCh38, chr20:45,959,355, plus strand): 5'-CGGCGGGAGGGGGGCTCCTCAGGGTGGCGCCTCCCCCATTCCTCGAAGCTGCTTGCGTGT[C>T]GGCACCGTACGTGCAGGCGCAGGTTCTTCTTGTGCCGTGTGCTGAAGTGGCAGTACTCAC-3'
Protein context (NP_071378.1, residues 690-710): KKNLRLHVRC[Arg700Gln]HASSFEEWGR

ClinVar aggregate classification (germline): Uncertain significance (1 of 4 stars; one submission).

Allele frequency attached by ClinVar (database versions not stated): TOPMed 0.00001; ExAC 0.00002; gnomAD exomes 0.00002; ESP Exome Variant Server 0.00008.

Submission:

Labcorp Genetics (formerly Invitae), Labcorp
Classification: Uncertain significance. Last evaluated: 2025-04-21. Review status: criteria provided, single submitter. Criteria: Invitae Variant Classification Sherloc (09022015). Collection method: clinical testing. Allele origin: germline.
Comment: This sequence change replaces arginine, which is basic and polar, with glutamine, which is neutral and polar, at codon 700 of the ZNF335 protein (p.Arg700Gln). This variant is present in population databases (rs375153102, gnomAD 0.004%). This variant has not been reported in the literature in individuals affected with ZNF335-related conditions. ClinVar contains an entry for this variant (Variation ID: 1937011). Invitae Evidence Modeling of protein sequence and biophysical properties (such as structural, functional, and spatial information, amino acid conservation, physicochemical variation, residue mobility, and thermodynamic stability) indicates that this missense variant is not expected to disrupt ZNF335 protein function with a negative predictive value of 80%. In summary, the available evidence is currently insufficient to determine the role of this variant in disease. Therefore, it has been classified as a Variant of Uncertain Significance.